The following is an entry in ClinVar:

ClinVar aggregate classification (germline): Uncertain significance (1 of 4 stars; one submission).

Submission:

GeneDx
Classification: Uncertain significance. Last evaluated: 2025-06-20. Review status: criteria provided, single submitter. Criteria: GeneDx Variant Classification Process June 2021. Collection method: clinical testing. Allele origin: germline. Affected: yes.
Comment: Not observed at significant frequency in large population cohorts (gnomAD); Missense variant in a gene in which most reported pathogenic variants are truncating/loss of function; Has not been previously published as pathogenic or benign to our knowledge

NM_001267550.2(TTN):c.59181G>C (p.Trp19727Cys)

Genes: TTN (titin; minus strand), TTN-AS1 (TTN antisense RNA 1; plus strand). Cytogenetic location: 2q31.2.
Variant type: single nucleotide variant.
Coding change: c.59181G>C on transcript NM_001267550.2 (MANE Select); coding-DNA position 59181, G replaced by C.
Protein change: p.Trp19727Cys; replaces tryptophan 19727 with cysteine.
Molecular consequence: missense variant.
Genome position (GRCh38, 1-based): chr2:178,592,938, C>G on the plus strand (G>C on the coding strand, the complement: TTN is on the minus strand). VCF-style: chr2-178592938-C-G. GRCh37 (hg19) VCF-style: chr2-179457665-C-G.
Other names: c.54258G>C, p.Trp18086Cys (NM_001256850.1); c.31986G>C, p.Trp10662Cys (NM_003319.4); c.51477G>C, p.Trp17159Cys (NM_133378.4); c.32361G>C, p.Trp10787Cys (NM_133432.3); c.32562G>C, p.Trp10854Cys (NM_133437.4); short protein forms W10662C, W10787C, W10854C, W17159C, W18086C, W19727C.
Identifiers: ClinVar variation 4538846 (VCV004538846.1).